The following is an entry in ClinVar:

ClinVar aggregate classification (germline): Likely pathogenic (1 of 4 stars; one submission).

Conditions:
Zellweger spectrum disorders (ZS). Also called: Zellweger Spectrum Disorder (ZSD); Zellweger syndrome; Zellweger Spectrum Disorder; Zellweger Spectrum. Identifiers: Orphanet 912, MedGen C0043459, MONDO:0019609.

Submission:

Natera, Inc.
Classification: Likely pathogenic for Zellweger syndrome. Last evaluated: 2024-10-03. Review status: criteria provided, single submitter. Criteria: Natera Variant Classification Schema (03/2026). Collection method: clinical testing. Allele origin: germline.
Comment: The c.1901-10_1932del variant in PEX1 is a deletion affecting a canonical splice acceptor site. This variant is expected to result in nonsense mediated decay, truncation, or a dysfunctional protein product. This variant is rare in the general population with a frequency below the threshold expected for the associated phenotype(s). Given the available evidence, this variant is classified as Likely Pathogenic.

NM_000466.3(PEX1):c.1901-10_1932del

Gene: PEX1 (peroxisomal biogenesis factor 1; minus strand). Cytogenetic location: 7q21.2.
Variant type: Deletion.
Coding change: c.1901-10_1932del on transcript NM_000466.3 (MANE Select); 10 bases into the intron before coding-DNA position 1901 through coding-DNA position 1932, 42 bases deleted.
Molecular consequence: splice acceptor variant. On other transcripts: intron variant (1).
Genome position (GRCh38, 1-based): chr7:92,504,871-92,504,912, 42 bases deleted. GRCh37 (hg19): chr7:92,134,185-92,134,226.
Other names: c.1900+1336_1900+1377del (NM_001282677.2); c.1277-10_1308del (NM_001282678.2).
Identifiers: ClinVar variation 4818389 (VCV004818389.1).